The following is an entry in ClinVar:

ClinVar aggregate classification (germline): Likely benign (1 of 4 stars; one submission).

Allele frequency attached by ClinVar (database versions not stated): gnomAD exomes 0.00001; ExAC 0.00003; TOPMed 0.00006; gnomAD 0.00007; 1000 Genomes Project 0.00040; 1000 Genomes Project 30x 0.00047.
gnomAD v4.1: 29 of 1,614,152 alleles (0.0018%); highest among the groups gnomAD compares: Middle Eastern, 0.017%; no homozygotes.

Submission:

CeGaT Center for Human Genetics Tuebingen
Classification: Likely benign. Last evaluated: 2023-03-01. Review status: criteria provided, single submitter. Criteria: CeGaT Center For Human Genetics Tuebingen Variant Classification Criteria Version 2. Collection method: clinical testing. Allele origin: germline. Affected: yes. Observed: 1 variant allele.
Comment: DHRS7B: BP4, BP7

NM_015510.5(DHRS7B):c.105C>T (p.Phe35=)

Gene: DHRS7B (dehydrogenase/reductase 7B; plus strand). Cytogenetic location: 17p11.2.
Variant type: single nucleotide variant.
Coding change: c.105C>T on transcript NM_015510.5 (MANE Select); coding-DNA position 105, C replaced by T.
Protein change: p.Phe35=; no amino-acid change (phenylalanine 35 retained).
Molecular consequence: synonymous variant.
Genome position (GRCh38, 1-based): chr17:21,172,102, C>T. VCF-style: chr17-21172102-C-T. GRCh37 (hg19) VCF-style: chr17-21075415-C-T.
Other names: c.60C>T, p.Phe20= (NM_001330159.3); c.105C>T, p.Phe35= (NM_001393657.1, NM_001393658.1, NM_001393659.1 and 1 more transcripts).
Identifiers: ClinVar variation 2647573 (VCV002647573.24), dbSNP rs181347227, ClinGen allele CA8449380.